The following is an entry in ClinVar:

ClinVar aggregate classification (germline): Uncertain significance. Review status: criteria provided, multiple submitters, no conflicts (2 of 4 stars). 2 submissions from 2 submitters: Uncertain significance (2). Last evaluated 2024-05-14.

Conditions:
Fanconi anemia complementation group D2. Also called: FANCD2-Related Fanconi Anemia; FANCONI PANCYTOPENIA, TYPE 4; FANCONI ANEMIA, COMPLEMENTATION GROUP D. Identifiers: Orphanet 84, MedGen C3160738, MONDO:0009214, OMIM 227646.
Fanconi anemia (FA). Also called: Fanconi's anemia. Identifiers: Orphanet 84, MedGen C0015625, MeSH D005199, MONDO:0019391.

Allele frequency attached by ClinVar (database versions not stated): gnomAD exomes 0.00001.
gnomAD v4.1: 3 of 1,613,372 alleles (0.00019%); highest among the groups gnomAD compares: Admixed American, 0.005%; no homozygotes.

Submissions (2):

Labcorp Genetics (formerly Invitae), Labcorp
Classification: Uncertain significance for Fanconi anemia. Last evaluated: 2024-05-14. Review status: criteria provided, single submitter. Criteria: Invitae Variant Classification Sherloc (09022015). Collection method: clinical testing. Allele origin: germline.
Comment: This sequence change replaces glutamic acid, which is acidic and polar, with aspartic acid, which is acidic and polar, at codon 1102 of the FANCD2 protein (p.Glu1102Asp). This variant is present in population databases (no rsID available, gnomAD 0.009%). This variant has not been reported in the literature in individuals affected with FANCD2-related conditions. ClinVar contains an entry for this variant (Variation ID: 1897437). Advanced modeling of protein sequence and biophysical properties (such as structural, functional, and spatial information, amino acid conservation, physicochemical variation, residue mobility, and thermodynamic stability) performed at Invitae indicates that this missense variant is not expected to disrupt FANCD2 protein function with a negative predictive value of 80%. In summary, the available evidence is currently insufficient to determine the role of this variant in disease. Therefore, it has been classified as a Variant of Uncertain Significance.

Fulgent Genetics
Classification: Uncertain significance for Fanconi anemia complementation group D2. Last evaluated: 2024-01-03. Review status: criteria provided, single submitter. Criteria: ACMG Guidelines, 2015. Collection method: clinical testing. Allele origin: germline.

NM_001018115.3(FANCD2):c.3306A>C (p.Glu1102Asp)

Genes: FANCD2 (FA complementation group D2; plus strand), FANCD2OS (FANCD2 opposite strand; minus strand). Cytogenetic location: 3p25.3.
Variant type: single nucleotide variant.
Coding change: c.3306A>C on transcript NM_001018115.3 (MANE Select); coding-DNA position 3306, A replaced by C.
Protein change: p.Glu1102Asp; replaces glutamic acid 1102 with aspartic acid.
Molecular consequence: missense variant. On other transcripts: intron variant (1).
Genome position (GRCh38, 1-based): chr3:10,085,893, A>C. VCF-style: chr3-10085893-A-C. GRCh37 (hg19) VCF-style: chr3-10127577-A-C.
Other names: c.3306A>C, p.Glu1102Asp (NM_001319984.2, NM_001374254.1, NM_033084.6); c.3195A>C, p.Glu1065Asp (NM_001374253.1); c.*44-4362T>G (NM_173472.2); short protein forms E1065D, E1102D.
Identifiers: ClinVar variation 1897437 (VCV001897437.4), dbSNP rs1390484498, ClinGen allele CA351751393.
Genomic context (GRCh38, chr3:10,085,893, plus strand): 5'-AAATCAGAATTTACTGTATTCAGCCCTCCATGTCCTTAGTAGCCGACTGAAACAGGGAGA[A>C]CACAGCCAGCCTTTGGAGGAACTACTCAGGTGAGTCATAACTACATAGCCAAGATTGTTG-3'
Protein context (NP_001018125.1, residues 1092-1112): HVLSSRLKQG[Glu1102Asp]HSQPLEELLS